The following is an entry in ClinVar:

ClinVar aggregate classification (germline): Uncertain significance (1 of 4 stars; one submission).

Submission:

Labcorp Genetics (formerly Invitae), Labcorp
Classification: Uncertain significance. Last evaluated: 2024-06-20. Review status: criteria provided, single submitter. Criteria: Invitae Variant Classification Sherloc (09022015). Collection method: clinical testing. Allele origin: germline.
Comment: This sequence change creates a premature translational stop signal (p.Ser247Leufs*2) in the SIAE gene. It is expected to result in an absent or disrupted protein product. However, the current clinical and genetic evidence is not sufficient to establish whether loss-of-function variants in SIAE cause disease. This variant is not present in population databases (gnomAD no frequency). This variant has not been reported in the literature in individuals affected with SIAE-related conditions. In summary, the available evidence is currently insufficient to determine the role of this variant in disease. Therefore, it has been classified as a Variant of Uncertain Significance.

NM_170601.5(SIAE):c.739del (p.Ser247fs)

Gene: SIAE (sialic acid acetylesterase; minus strand). Cytogenetic location: 11q24.2.
Variant type: Deletion.
Coding change: c.739del on transcript NM_170601.5 (MANE Select); coding-DNA position 739, one base deleted (T; older notation c.739delT).
Protein change: p.Ser247fs; shifts the reading frame from serine 247.
Molecular consequence: frameshift variant.
Genome position (GRCh38, 1-based): chr11:124,648,159, A deleted on the plus strand (T on the coding strand, the reverse complement: SIAE is on the minus strand); the first of 2 consecutive A bases (chr11:124,648,159-124,648,160); deleting either gives the same sequence. VCF-style (leftmost placement, unchanged base first): chr11-124648158-GA-G. GRCh37 (hg19) VCF-style: chr11-124518054-GA-G.
Other names: c.634del, p.Ser212fs (NM_001199922.2); short protein forms S212fs, S247fs.
Identifiers: ClinVar variation 3657210 (VCV003657210.2).